The following is an entry in ClinVar:

ClinVar aggregate classification (germline): Uncertain significance (1 of 4 stars; one submission).

gnomAD v4.1: 1 of 1,611,770 alleles (0.000062%); highest among the groups gnomAD compares: African/African-American, 0.0013%; no homozygotes.

Submission:

Labcorp Genetics (formerly Invitae), Labcorp
Classification: Uncertain significance. Last evaluated: 2023-01-24. Review status: criteria provided, single submitter. Criteria: Invitae Variant Classification Sherloc (09022015). Collection method: clinical testing. Allele origin: germline.
Comment: In summary, the available evidence is currently insufficient to determine the role of this variant in disease. Therefore, it has been classified as a Variant of Uncertain Significance. Algorithms developed to predict the effect of missense changes on protein structure and function are either unavailable or do not agree on the potential impact of this missense change (SIFT: "Deleterious"; PolyPhen-2: "Benign"; Align-GVGD: "Class C0"). This variant has not been reported in the literature in individuals affected with MICAL1-related conditions. This variant is not present in population databases (gnomAD no frequency). This sequence change replaces glutamic acid, which is acidic and polar, with glycine, which is neutral and non-polar, at codon 899 of the MICAL1 protein (p.Glu899Gly).

NM_022765.4(MICAL1):c.2639A>G (p.Glu880Gly)

Gene: MICAL1 (microtubule associated monooxygenase, calponin and LIM domain containing 1; minus strand). Cytogenetic location: 6q21.
Variant type: single nucleotide variant.
Coding change: c.2639A>G on transcript NM_022765.4 (MANE Select); coding-DNA position 2639, A replaced by G.
Protein change: p.Glu880Gly; replaces glutamic acid 880 with glycine.
Molecular consequence: missense variant.
Genome position (GRCh38, 1-based): chr6:109,445,805, T>C on the plus strand (A>G on the coding strand, the complement: MICAL1 is on the minus strand). VCF-style: chr6-109445805-T-C. GRCh37 (hg19) VCF-style: chr6-109767008-T-C.
Other names: c.2381A>G, p.Glu794Gly (NM_001159291.2); c.2696A>G, p.Glu899Gly (NM_001286613.2); short protein forms E880G, E899G, E794G.
Identifiers: ClinVar variation 2905258 (VCV002905258.3), dbSNP rs1308339277, ClinGen allele CA365222676.